The following is an entry in ClinVar:

NM_006087.4(TUBB4A):c.270C>A (p.Phe90Leu)

Gene: TUBB4A (tubulin beta 4A class IVa; minus strand). Cytogenetic location: 19p13.3.
Variant type: single nucleotide variant.
Coding change: c.270C>A on transcript NM_006087.4 (MANE Select); coding-DNA position 270, C replaced by A.
Protein change: p.Phe90Leu; replaces phenylalanine 90 with leucine.
Molecular consequence: missense variant.
Genome position (GRCh38, 1-based): chr19:6,501,294, G>T on the plus strand (C>A on the coding strand, the complement: TUBB4A is on the minus strand). VCF-style: chr19-6501294-G-T. GRCh37 (hg19) VCF-style: chr19-6501305-G-T.
Other names: c.423C>A, p.Phe141Leu (NM_001289123.2); c.405C>A, p.Phe135Leu (NM_001289127.2); c.270C>A, p.Phe90Leu (NM_001289129.2); c.54C>A, p.Phe18Leu (NM_001289130.2, NM_001289131.2); short protein forms F141L, F18L, F90L, F135L.
Identifiers: ClinVar variation 1428626 (VCV001428626.9), dbSNP rs369521667, ClinGen allele CA9127428.

ClinVar aggregate classification (germline): Uncertain significance. Review status: criteria provided, multiple submitters, no conflicts (2 of 4 stars). 2 submissions from 2 submitters: Uncertain significance (2). Last evaluated 2025-07-23.

Conditions:
Leukodystrophy, hypomyelinating, 6. Also called: TUBB4A-Associated Leukodystrophy; Hypomyelination with Atrophy of Basal Ganglia and Cerebellum (H-ABC); LEUKODYSTROPHY, HYPOMYELINATING, WITH ATROPHY OF THE BASAL GANGLIA AND CEREBELLUM. Identifiers: Orphanet 139441, MedGen C2676244, MONDO:0012905, OMIM 612438.

Allele frequency attached by ClinVar (database versions not stated): gnomAD 0.00001; ExAC 0.00003; gnomAD exomes 0.00003; ESP Exome Variant Server 0.00008.
gnomAD v4.1: 42 of 1,613,640 alleles (0.0026%); highest among the groups gnomAD compares: Non-Finnish European, 0.0031%; no homozygotes.

Submissions (2):

Labcorp Genetics (formerly Invitae), Labcorp
Classification: Uncertain significance for Leukodystrophy, hypomyelinating, 6. Last evaluated: 2025-07-23. Review status: criteria provided, single submitter. Criteria: Invitae Variant Classification Sherloc (09022015). Collection method: clinical testing. Allele origin: germline.
Comment: This sequence change replaces phenylalanine, which is neutral and non-polar, with leucine, which is neutral and non-polar, at codon 90 of the TUBB4A protein (p.Phe90Leu). This variant is present in population databases (rs369521667, gnomAD 0.006%). This variant has not been reported in the literature in individuals affected with TUBB4A-related conditions. ClinVar contains an entry for this variant (Variation ID: 1428626). Invitae Evidence Modeling of protein sequence and biophysical properties (such as structural, functional, and spatial information, amino acid conservation, physicochemical variation, residue mobility, and thermodynamic stability) indicates that this missense variant is not expected to disrupt TUBB4A protein function with a negative predictive value of 80%. In summary, the available evidence is currently insufficient to determine the role of this variant in disease. Therefore, it has been classified as a Variant of Uncertain Significance.

Clinical Genetics Laboratory, Skane University Hospital Lund
Classification: Uncertain significance. Last evaluated: 2024-02-14. Review status: criteria provided, single submitter. Criteria: ACMG Guidelines, 2015. Collection method: clinical testing. Allele origin: germline. Affected: yes.